The following is an entry in ClinVar:

ClinVar aggregate classification (germline): Conflicting classifications of pathogenicity. Review status: criteria provided, conflicting classifications (1 of 4 stars). 6 submissions from 6 submitters: Uncertain significance (3); Benign (1); Likely benign (1). 1 of the submissions does not count toward it. Last evaluated 2026-02-02.

Conditions:
OTOF-related disorder. Also called: OTOF-related condition.
Autosomal recessive nonsyndromic hearing loss 9. Also called: Deafness, autosomal recessive 9; NEUROSENSORY NONSYNDROMIC RECESSIVE DEAFNESS 9; OTOF-Related Hearing Loss; AUDITORY NEUROPATHY, AUTOSOMAL RECESSIVE, 1, TEMPERATURE-SENSITIVE. Identifiers: Orphanet 90636, MedGen C1832828, MONDO:0010986, OMIM 601071.

Allele frequency attached by ClinVar (database versions not stated): ESP Exome Variant Server 0.00031; 1000 Genomes Project 0.00060; 1000 Genomes Project 30x 0.00062; TOPMed 0.00065.
gnomAD v4.1: 158 of 1,576,068 alleles (0.01%); highest among the groups gnomAD compares: African/African-American, 0.19%; 1 homozygote.

Submissions (6):

Labcorp Genetics (formerly Invitae), Labcorp
Classification: Benign. Last evaluated: 2026-02-02. Review status: criteria provided, single submitter. Criteria: Invitae Variant Classification Sherloc (09022015). Collection method: clinical testing. Allele origin: germline.

PreventionGenetics, part of Exact Sciences
Classification: Likely benign for OTOF-related condition. Last evaluated: 2025-04-03. Review status: criteria provided, single submitter. Criteria: ACMG Guidelines, 2015. Collection method: clinical testing. Allele origin: germline.
Comment: This variant is classified as likely benign based on ACMG/AMP sequence variant interpretation guidelines (Richards et al. 2015 PMID: 25741868, with internal and published modifications).

Fulgent Genetics
Classification: Uncertain significance for Autosomal recessive nonsyndromic hearing loss 9. Last evaluated: 2021-07-26. Review status: criteria provided, single submitter. Criteria: ACMG Guidelines, 2015. Collection method: clinical testing. Allele origin: unknown.

ARUP Laboratories, Molecular Genetics and Genomics, ARUP Laboratories
Classification: Uncertain significance. Last evaluated: 2018-11-28. Review status: criteria provided, single submitter. Criteria: ARUP Molecular Germline Variant Investigation Process. Collection method: clinical testing. Allele origin: germline.
Comment: The OTOF c.5938G>T; p.Ala1980Ser variant (rs62640381), to our knowledge, is not reported in the medical literature but is reported in ClinVar (Variation ID: 417910). This variant is found in the African population with an allele frequency of 0.19% (38/20,376 alleles) in the Genome Aggregation Database. The alanine at codon 1980 is weakly conserved, and computational analyses (SIFT: damaging, PolyPhen-2: benign) predict conflicting effects of this variant on protein structure/function. Due to limited information, the clinical significance of the p.Ala1980Ser variant is uncertain at this time.

Breakthrough Genomics
Classification: Uncertain significance. Review status: criteria provided, single submitter. Criteria: ACMG Guidelines, 2015. Collection method: not provided. Allele origin: germline. Inheritance: Autosomal recessive inheritance. Affected: yes.

Division of Human Genetics, Children's Hospital of Philadelphia
Classification: Uncertain significance for Autosomal recessive nonsyndromic hearing loss 9. Last evaluated: 2016-02-23. Review status: no assertion criteria provided. Collection method: research. Allele origin: maternal. Affected: yes. Study: CSER-PediSeq. Not counted in ClinVar's aggregate classification.

NM_194248.3(OTOF):c.5938G>T (p.Ala1980Ser)

Gene: OTOF (otoferlin; minus strand). Cytogenetic location: 2p23.3.
Variant type: single nucleotide variant.
Coding change: c.5938G>T on transcript NM_194248.3 (MANE Select); coding-DNA position 5938, G replaced by T.
Protein change: p.Ala1980Ser; replaces alanine 1980 with serine.
Molecular consequence: missense variant. On other transcripts: intron variant (2).
Genome position (GRCh38, 1-based): chr2:26,460,081, C>A on the plus strand (G>T on the coding strand, the complement: OTOF is on the minus strand). VCF-style: chr2-26460081-C-A. GRCh37 (hg19) VCF-style: chr2-26682949-C-A.
Other names: c.3637G>T, p.Ala1213Ser (NM_004802.4); c.3868G>T, p.Ala1290Ser (NM_194322.3); c.5813+566G>T (NM_001287489.2); c.3512+566G>T (NM_194323.3); short protein forms A1980S, A1213S, A1290S.
Identifiers: ClinVar variation 417910 (VCV000417910.17), dbSNP rs62640381, ClinGen allele CA1562652.
Genomic context (GRCh38, chr2:26,460,081, plus strand): 5'-GGGCTCAGGCCCCGAGGATTTTCTTGACCAGGTAGCCAGGCACAGAGTAGAGGAACAGGG[C>A]GAGGAGGAGGAGCAGCAGCAGGAGCAGCAACAGTTTGAGGAGCAGCCAGCGATACGTGTG-3'
Protein context (NP_919224.1, residues 1970-1990): LLLLLLLLLL[Ala1980Ser]LFLYSVPGYL